The following is an entry in ClinVar:

NM_172245.4(CSF2RA):c.279A>G (p.Thr93=)

Gene: CSF2RA (colony stimulating factor 2 receptor subunit alpha; plus strand). Cytogenetic location: Xp22.33.
Variant type: single nucleotide variant.
Coding change: c.279A>G on transcript NM_172245.4 (MANE Select); coding-DNA position 279, A replaced by G.
Protein change: p.Thr93=; no amino-acid change (threonine 93 retained).
Molecular consequence: synonymous variant. On other transcripts: 5 prime UTR variant (1), non-coding transcript variant (1).
Genome position (GRCh38, 1-based): chrX:1,288,578, A>G. VCF-style: chrX-1288578-A-G. GRCh37 (hg19) VCF-style: chrX-1407471-A-G.
Other names: c.279A>G, p.Thr93= (NM_001161529.2, NM_001161530.2, NM_001161531.2 and 20 more transcripts); c.-121A>G (NM_001161532.2).
Identifiers: ClinVar variation 227279 (VCV000227279.19), dbSNP rs140581875, ClinGen allele CA10330744.
Genomic context (GRCh38, chrX:1,288,578, plus strand): 5'-GCTCAGTAACAACGAATGTTCGTGCACATTTCGTGAAATTTGTCTGCATGAAGGAGTCAC[A>G]TTTGAGGTTCACGTGAATACTAGTCAAAGAGGATTTCAACAGAAACTGCTTTATCCAAAT-3'
Protein context (NP_758448.1, residues 83-103): FREICLHEGV[Thr93=]FEVHVNTSQR

ClinVar aggregate classification (germline): Benign/Likely benign. Review status: criteria provided, multiple submitters, no conflicts (2 of 4 stars). 6 submissions from 6 submitters: Benign (1); Likely benign (3). 2 of the submissions do not count toward it. Last evaluated 2026-02-01.

Conditions:
Surfactant metabolism dysfunction, pulmonary, 4 (SMDP4). Also called: CSF2RA DEFICIENCY; PAP DUE TO CSF2RA DEFICIENCY; PULMONARY ALVEOLAR PROTEINOSIS, CONGENITAL, 4. Identifiers: Orphanet 264675, MedGen C2677877, MONDO:0010424, OMIM 300770.

Allele frequency attached by ClinVar (database versions not stated): 1000 Genomes Project 30x 0.00104; gnomAD 0.00152 and 0.00155; 1000 Genomes Project 0.00159; TOPMed 0.00172; ESP Exome Variant Server 0.00192.
gnomAD v4.1: 1,996 of 1,613,958 alleles (0.12%); highest among the groups gnomAD compares: Middle Eastern, 1%; 6 homozygotes.

Submissions (6):

Labcorp Genetics (formerly Invitae), Labcorp
Classification: Benign for Surfactant metabolism dysfunction, pulmonary, 4. Last evaluated: 2026-02-01. Review status: criteria provided, single submitter. Criteria: Invitae Variant Classification Sherloc (09022015). Collection method: clinical testing. Allele origin: germline.

Blueprint Genetics
Classification: Likely benign. Last evaluated: 2024-11-25. Review status: criteria provided, single submitter. Criteria: ACMG Guidelines, 2015. Collection method: clinical testing. Allele origin: germline.

Laboratory for Molecular Medicine, Mass General Brigham Personalized Medicine
Classification: Likely benign. Last evaluated: 2015-09-02. Review status: criteria provided, single submitter. Criteria: LMM Criteria. Collection method: clinical testing. Allele origin: germline. Observed: 1 variant allele.
Comment: p.Thr93Thr in exon 6 of CSF2RA: This variant is not expected to have clinical si gnificance because it does not alter an amino acid residue and is not located wi thin the splice consensus sequence. It has been identified in 0.1% (14/10406) of African chromosomes by the Exome Aggregation Consortium (ExAC; dbSNP 140581875)

Breakthrough Genomics
Classification: Likely benign. Review status: criteria provided, single submitter. Criteria: ACMG Guidelines, 2015. Collection method: not provided. Allele origin: germline. Inheritance: Unknown mechanism. Affected: yes.

Clinical Genetics DNA and cytogenetics Diagnostics Lab, Erasmus MC, Erasmus Medical Center
Classification: Likely benign. Review status: no assertion criteria provided. Collection method: clinical testing. Allele origin: germline. Affected: yes. Study: VKGL Data-share Consensus. Not counted in ClinVar's aggregate classification.

Genome Diagnostics Laboratory, University Medical Center Utrecht
Classification: Likely benign. Review status: no assertion criteria provided. Collection method: clinical testing. Allele origin: germline. Affected: yes. Study: VKGL Data-share Consensus. Not counted in ClinVar's aggregate classification.